The following is an entry in ClinVar:

ClinVar aggregate classification (germline): Benign (1 of 4 stars; one submission).

Allele frequency attached by ClinVar (database versions not stated): gnomAD 0.02264 and 0.02442; 1000 Genomes Project 0.02436; TOPMed 0.02519; 1000 Genomes Project 30x 0.02608.
gnomAD v4.1: 3,402 of 151,964 alleles (2.2%); highest among the groups gnomAD compares: African/African-American, 7.8%; 139 homozygotes.

Submission:

GeneDx
Classification: Benign. Last evaluated: 2018-06-16. Review status: criteria provided, single submitter. Criteria: GeneDx Variant Classification (06012015). Collection method: clinical testing. Allele origin: germline. Affected: yes.
Comment: This variant is considered likely benign or benign based on one or more of the following criteria: it is a conservative change, it occurs at a poorly conserved position in the protein, it is predicted to be benign by multiple in silico algorithms, and/or has population frequency not consistent with disease.

NM_005045.4(RELN):c.7669-228T>C

Gene: RELN (reelin; minus strand). Cytogenetic location: 7q22.1.
Variant type: single nucleotide variant.
Coding change: c.7669-228T>C on transcript NM_005045.4 (MANE Select); 228 bases into the intron before coding-DNA position 7669, T replaced by C.
Molecular consequence: intron variant.
Genome position (GRCh38, 1-based): chr7:103,519,744, A>G on the plus strand (T>C on the coding strand, the complement: RELN is on the minus strand). VCF-style: chr7-103519744-A-G. GRCh37 (hg19) VCF-style: chr7-103160191-A-G.
Other names: c.7669-228T>C (NM_173054.3).
Identifiers: ClinVar variation 677570 (VCV000677570.1), dbSNP rs114961817, ClinGen allele CA163927615.